The following is an entry in ClinVar:

NM_000408.5(GPD2):c.233G>A (p.Gly78Glu)

Gene: GPD2 (glycerol-3-phosphate dehydrogenase 2; plus strand). Cytogenetic location: 2q24.1.
Variant type: single nucleotide variant.
Coding change: c.233G>A on transcript NM_000408.5 (MANE Select); coding-DNA position 233, G replaced by A.
Protein change: p.Gly78Glu; replaces glycine 78 with glutamic acid.
Molecular consequence: missense variant.
Genome position (GRCh38, 1-based): chr2:156,496,174, G>A. VCF-style: chr2-156496174-G-A. GRCh37 (hg19) VCF-style: chr2-157352686-G-A.
Other names: c.233G>A, p.Gly78Glu (NM_001083112.3); short protein forms G78E.
Identifiers: ClinVar variation 382910 (VCV000382910.2), dbSNP rs1057521483, ClinGen allele CA16603889.
Genomic context (GRCh38, chr2:156,496,174, plus strand): 5'-AAGCTCAGCTACTGACTTTGCAAAACACATCTGAATTTGATATCCTTGTTATTGGAGGAG[G>A]AGCAACAGGAAGTGGCTGTGCGCTAGATGCTGTCACCAGAGGTAAGTCTTTTTTTTTTTT-3'
Protein context (NP_000399.3, residues 68-88): SEFDILVIGG[Gly78Glu]ATGSGCALDA

ClinVar aggregate classification (germline): Uncertain significance (1 of 4 stars; one submission).

Allele frequency attached by ClinVar (database versions not stated): gnomAD exomes below 0.00001; gnomAD 0.00001.
gnomAD v4.1: 2 of 1,612,916 alleles (0.00012%); highest among the groups gnomAD compares: East Asian, 0.0022%; no homozygotes.

Submission:

GeneDx
Classification: Uncertain significance. Last evaluated: 2018-04-06. Review status: criteria provided, single submitter. Criteria: GeneDx Variant Classification (06012015). Collection method: clinical testing. Allele origin: germline. Affected: yes.
Comment: The G78E variant in the GPD2 gene has not been reported previously as a pathogenic variant, nor as a benign variant, to our knowledge. The G78E variant was not observed in approximately 6,500 individuals of European and African American ancestry in the NHLBI Exome Sequencing Project, indicating it is not a common benign variant in these populations. The G78E variant is a non-conservative amino acid substitution, which is likely to impact secondary protein structure as these residues differ in polarity, charge, size and/or other properties. This substitution occurs at a position that is conserved across species. In silico analysis predicts this variant is probably damaging to the protein structure/function. We interpret G78E as a variant of uncertain significance.